The following is an entry in ClinVar:

ClinVar aggregate classification (germline): Uncertain significance (1 of 4 stars; one submission).

Conditions:
Epileptic encephalopathy. Identifiers: MedGen C0543888, HP:0200134.

Allele frequency attached by ClinVar (database versions not stated): gnomAD 0.00002 and 0.00005; gnomAD exomes 0.00002 and 0.00003; TOPMed 0.00005; ExAC 0.00007; 1000 Genomes Project 30x 0.00031.
gnomAD v4.1: 49 of 1,539,346 alleles (0.0032%); highest among the groups gnomAD compares: African/African-American, 0.034%; no homozygotes.

Submission:

Labcorp Genetics (formerly Invitae), Labcorp
Classification: Uncertain significance for Epileptic encephalopathy. Last evaluated: 2025-08-08. Review status: criteria provided, single submitter. Criteria: Invitae Variant Classification Sherloc (09022015). Collection method: clinical testing. Allele origin: germline.
Comment: This sequence change replaces valine, which is neutral and non-polar, with isoleucine, which is neutral and non-polar, at codon 1695 of the FASN protein (p.Val1695Ile). This variant is present in population databases (rs111918281, gnomAD 0.02%). This variant has not been reported in the literature in individuals affected with FASN-related conditions. ClinVar contains an entry for this variant (Variation ID: 462064). An algorithm developed to predict the effect of missense changes on protein structure and function outputs the following: PolyPhen-2: "Possibly Damaging". The isoleucine amino acid residue is found in multiple mammalian species, which suggests that this missense change does not adversely affect protein function. In summary, the available evidence is currently insufficient to determine the role of this variant in disease. Therefore, it has been classified as a Variant of Uncertain Significance.

NM_004104.5(FASN):c.5083G>A (p.Val1695Ile)

Gene: FASN (fatty acid synthase; minus strand). Cytogenetic location: 17q25.3.
Variant type: single nucleotide variant.
Coding change: c.5083G>A on transcript NM_004104.5 (MANE Select); coding-DNA position 5083, G replaced by A.
Protein change: p.Val1695Ile; replaces valine 1695 with isoleucine.
Molecular consequence: missense variant.
Genome position (GRCh38, 1-based): chr17:82,083,990, C>T on the plus strand (G>A on the coding strand, the complement: FASN is on the minus strand). VCF-style: chr17-82083990-C-T. GRCh37 (hg19) VCF-style: chr17-80041866-C-T.
Other names: short protein forms V1695I.
Identifiers: ClinVar variation 462064 (VCV000462064.11), dbSNP rs111918281, ClinGen allele CA8851840.